The following is an entry in ClinVar:

NM_152564.5(VPS13B):c.9331-2del

Gene: VPS13B (vacuolar protein sorting 13 homolog B; plus strand). Cytogenetic location: 8q22.2.
Variant type: Deletion.
Coding change: c.9331-2del on transcript NM_152564.5 (MANE Select); the canonical splice acceptor site of the intron before coding-DNA position 9331, one base deleted (A; older notation c.9331-2delA).
Molecular consequence: splice acceptor variant.
Genome position (GRCh38, 1-based): chr8:99,832,367, A deleted. VCF-style (leftmost placement, unchanged base first): chr8-99832366-TA-T. GRCh37 (hg19) VCF-style: chr8-100844594-TA-T.
Other names: c.9406-2del (NM_017890.5); c.9406-2delA (NM_017890.5).
Identifiers: ClinVar variation 3896355 (VCV003896355.3).
Genomic context (GRCh38, chr8:99,832,366, plus strand): 5'-TTCTGCTGTATTACTGTAGCTAATGTGCTCTCTGCATTTTTTTTTTTTTTTTTTTTTTTT[TA>T]GTATTTTCGTGTTCCAGACAGTGCTACTTTTAGCATTTGCCCAGGTGGAGAGCAGCCTGC-3'

ClinVar aggregate classification (germline): Likely pathogenic. Review status: criteria provided, multiple submitters, no conflicts (2 of 4 stars). 2 submissions from 2 submitters: Likely pathogenic (2). Last evaluated 2026-04-01.

Conditions:
Primary ciliary dyskinesia. Also called: Ciliary dyskinesia. Identifiers: Orphanet 244, MedGen C0008780, MONDO:0016575, HP:0012265.
Cohen syndrome (COH1). Also called: Cutis verticis gyrata, retinitis pigmentosa, and sensorineural deafness; PEPPER SYNDROME. Identifiers: Orphanet 193, MedGen C0265223, MONDO:0008999, OMIM 216550.

Submissions (2):

Department of Human Genetics, Hannover Medical School
Classification: Likely pathogenic for Primary Ciliary Dyskinesia. Last evaluated: 2026-04-01. Review status: criteria provided, single submitter. Criteria: ACMG Guidelines, 2015. Collection method: research. Allele origin: germline. Affected: no.
Comment: Classification performed by HerediClassify using the following criteria:['PM2_supporting: Variant occures does not occur as homozygous in gnomAD.', 'PVS1_splicing_very_strong: Transcript ENST00000357162 undergoes NMD.']

Women's Health and Genetics/Laboratory Corporation of America, LabCorp
Classification: Likely pathogenic for Cohen syndrome. Last evaluated: 2025-04-10. Review status: criteria provided, single submitter. Criteria: LabCorp Variant Classification Summary - May 2015. Collection method: clinical testing. Allele origin: germline.
Comment: Variant summary: VPS13B c.9406-2delA is located in a canonical splice-site and is predicted to affect mRNA splicing resulting in a significantly altered protein due to either exon skipping, shortening, or inclusion of intronic material. Variants that disrupt the consensus splice site are a relatively common cause of aberrant splicing and loss of VPS13B function. Several computational tools predict a significant impact on normal splicing: Four predict the variant abolishes a 3' acceptor site. Three predict the variant strengthens a cryptic 3' acceptor site. However, these predictions have yet to be confirmed by functional studies. The variant allele was found at a frequency of 6.5e-05 in 1613608 control chromosomes (gnomAD v.4.1.0). This frequency is not significantly higher than estimated for a pathogenic variant in VPS13B causing Cohen Syndrome (6.5e-05 vs 0.0025), allowing no conclusion about variant significance. To our knowledge, no occurrence of c.9406-2delA in individuals affected with Cohen Syndrome and no experimental evidence demonstrating its impact on protein function have been reported. No submitters have cited clinical-significance assessments for this variant to ClinVar. Based on the evidence outlined above, the variant was classified as likely pathogenic.